The following is an entry in ClinVar:

ClinVar aggregate classification (germline): Pathogenic/Likely pathogenic. Review status: criteria provided, multiple submitters, no conflicts (2 of 4 stars). 2 submissions from 2 submitters: Pathogenic (1); Likely pathogenic (1). Last evaluated 2025-09-10.

Conditions:
Progressive pseudorheumatoid dysplasia (PPRD). Also called: Progressive Pseudorheumatoid Arthropathy of Childhood; SPONDYLOEPIPHYSEAL DYSPLASIA TARDA WITH PROGRESSIVE ARTHROPATHY. Identifiers: Orphanet 1159, MedGen C0432215, MONDO:0008827, OMIM 208230. Disease mechanism: loss of function.

Allele frequency attached by ClinVar (database versions not stated): TOPMed below 0.00001; gnomAD exomes 0.00001.

Submissions (2):

Genomic Medicine Center of Excellence, King Faisal Specialist Hospital and Research Centre
Classification: Likely pathogenic for Progressive pseudorheumatoid dysplasia. Last evaluated: 2025-09-10. Review status: criteria provided, single submitter. Criteria: ACMG Guidelines, 2015. Collection method: clinical testing. Allele origin: germline.

Labcorp Genetics (formerly Invitae), Labcorp
Classification: Pathogenic. Last evaluated: 2024-12-02. Review status: criteria provided, single submitter. Criteria: Invitae Variant Classification Sherloc (09022015). Collection method: clinical testing. Allele origin: germline.
Comment: This sequence change affects the initiator methionine of the WISP3 mRNA. The next in-frame methionine is located at codon 195. This variant is not present in population databases (gnomAD no frequency). This variant has not been reported in the literature in individuals affected with WISP3-related conditions. ClinVar contains an entry for this variant (Variation ID: 1680451). This variant disrupts a region of the WISP3 protein in which other variant(s) (p.Cys114Trp) have been determined to be pathogenic (PMID: 21993478, 22685593, 25553839, 25738435, 28018607). This suggests that this is a clinically significant region of the protein, and that variants that disrupt it are likely to be disease-causing. For these reasons, this variant has been classified as Pathogenic.

Literature cited by the submitters: PubMed 21993478 (cited by Labcorp Genetics (formerly Invitae), Labcorp); PubMed 22685593 (cited by Labcorp Genetics (formerly Invitae), Labcorp); PubMed 25553839 (cited by Labcorp Genetics (formerly Invitae), Labcorp); PubMed 25738435 (cited by Labcorp Genetics (formerly Invitae), Labcorp); PubMed 28018607 (cited by Labcorp Genetics (formerly Invitae), Labcorp).

NM_198239.2(CCN6):c.1A>G (p.Met1Val)

Gene: CCN6 (cellular communication network factor 6; plus strand). Cytogenetic location: 6q21.
Variant type: single nucleotide variant.
Coding change: c.1A>G on transcript NM_198239.2 (MANE Select); coding-DNA position 1, A replaced by G.
Protein change: p.Met1Val; changes the start codon (methionine 1).
Molecular consequence: missense variant, initiator codon variant. On other transcripts: non-coding transcript variant (2).
Genome position (GRCh38, 1-based): chr6:112,054,358, A>G. VCF-style: chr6-112054358-A-G. GRCh37 (hg19) VCF-style: chr6-112375561-A-G.
Other names: c.1A>G, p.Met1Val (NM_003880.4); short protein forms M1V.
Identifiers: ClinVar variation 1680451 (VCV001680451.8), dbSNP rs1776281365, ClinGen allele CA365364894.